The following is an entry in ClinVar:

NM_001144967.3(NEDD4L):c.1252A>T (p.Met418Leu)

Gene: NEDD4L (NEDD4 like E3 ubiquitin protein ligase; plus strand). Cytogenetic location: 18q21.31.
Variant type: single nucleotide variant.
Coding change: c.1252A>T on transcript NM_001144967.3 (MANE Select); coding-DNA position 1252, A replaced by T.
Protein change: p.Met418Leu; replaces methionine 418 with leucine.
Molecular consequence: missense variant. On other transcripts: intron variant (1).
Genome position (GRCh38, 1-based): chr18:58,341,164, A>T. VCF-style: chr18-58341164-A-T. GRCh37 (hg19) VCF-style: chr18-56008396-A-T.
Other names: c.889A>T, p.Met297Leu (NM_001144964.1, NM_001144965.2, NM_001144966.3); c.1228A>T, p.Met410Leu (NM_001144968.2); c.1168A>T, p.Met390Leu (NM_001144969.2); c.829A>T, p.Met277Leu (NM_001144970.3, NM_001144971.2); c.1192A>T, p.Met398Leu (NM_015277.6); c.1066-514A>T (NM_001243960.2); short protein forms M398L, M277L, M410L, M297L, M390L, M418L.
Identifiers: ClinVar variation 2746595 (VCV002746595.3), dbSNP rs757583506, ClinGen allele CA402562037.
Genomic context (GRCh38, chr18:58,341,164, plus strand): 5'-AAGGGGCGCACATACTATGTCAATCATAACAATCGAACCACAACTTGGACTCGACCTATC[A>T]TGCAGGTACGAAGATTGCCATCCAACTTAAAACCGCAGGCCATAGAAGCCGAAATGTACA-3'
Protein context (NP_001138439.1, residues 408-428): NRTTTWTRPI[Met418Leu]QLAEDGASGS

ClinVar aggregate classification (germline): Uncertain significance (1 of 4 stars; one submission).

Submission:

Labcorp Genetics (formerly Invitae), Labcorp
Classification: Uncertain significance. Last evaluated: 2024-09-17. Review status: criteria provided, single submitter. Criteria: Invitae Variant Classification Sherloc (09022015). Collection method: clinical testing. Allele origin: germline.
Comment: This sequence change replaces methionine, which is neutral and non-polar, with leucine, which is neutral and non-polar, at codon 398 of the NEDD4L protein (p.Met398Leu). This variant is not present in population databases (gnomAD no frequency). This variant has not been reported in the literature in individuals affected with NEDD4L-related conditions. Invitae Evidence Modeling of protein sequence and biophysical properties (such as structural, functional, and spatial information, amino acid conservation, physicochemical variation, residue mobility, and thermodynamic stability) indicates that this missense variant is not expected to disrupt NEDD4L protein function with a negative predictive value of 80%. In summary, the available evidence is currently insufficient to determine the role of this variant in disease. Therefore, it has been classified as a Variant of Uncertain Significance.